The following is an entry in ClinVar:

NM_203447.4(DOCK8):c.4527C>G (p.His1509Gln)

Gene: DOCK8 (dedicator of cytokinesis 8; plus strand). Cytogenetic location: 9p24.3.
Variant type: single nucleotide variant.
Coding change: c.4527C>G on transcript NM_203447.4 (MANE Select); coding-DNA position 4527, C replaced by G.
Protein change: p.His1509Gln; replaces histidine 1509 with glutamine.
Molecular consequence: missense variant.
Genome position (GRCh38, 1-based): chr9:429,755, C>G. VCF-style: chr9-429755-C-G. GRCh37 (hg19) VCF-style: chr9-429755-C-G.
Other names: c.4227C>G, p.His1409Gln (NM_001190458.2); c.4323C>G, p.His1441Gln (NM_001193536.2); short protein forms H1409Q, H1441Q, H1509Q.
Identifiers: ClinVar variation 1006702 (VCV001006702.12), dbSNP rs533492555, ClinGen allele CA4959117.
Genomic context (GRCh38, chr9:429,755, plus strand): 5'-CTCCTAGTTTGGAGACTTACTCTTTGAAGAGGAGGTGGAACAGTGTTTCGACCTATGTCA[C>G]CAAGTCCTGCACCACTGCAGCAGCAGCATGGATGTCACCCGGAGCCAAGCCTGTGCCACC-3'
Protein context (NP_982272.2, residues 1499-1519): EEVEQCFDLC[His1509Gln]QVLHHCSSSM

ClinVar aggregate classification (germline): Conflicting classifications of pathogenicity. Review status: criteria provided, conflicting classifications (1 of 4 stars). 3 submissions from 3 submitters: Uncertain significance (2); Likely benign (1). Last evaluated 2025-06-18.

Conditions:
Inborn genetic diseases. Identifiers: MedGen C0950123, MeSH D030342.
Combined immunodeficiency due to DOCK8 deficiency (HIES2). Also called: HIES autosomal recessive; Hyper-IgE recurrent infection syndrome, autosomal recessive; DOCK8 Deficiency; HYPER-IgE RECURRENT INFECTION SYNDROME 2, AUTOSOMAL RECESSIVE; HYPER-IgE SYNDROME 2, AUTOSOMAL RECESSIVE, WITH RECURRENT INFECTIONS. Identifiers: Orphanet 217390, MedGen C4722305, MONDO:0009478, OMIM 243700.

Allele frequency attached by ClinVar (database versions not stated): gnomAD exomes 0.00001; ExAC 0.00002; TOPMed 0.00003; 1000 Genomes Project 30x 0.00016; 1000 Genomes Project 0.00020.
gnomAD v4.1: 17 of 1,614,158 alleles (0.0011%); highest among the groups gnomAD compares: Middle Eastern, 0.033%; 1 homozygote.

Submissions (3):

Ambry Genetics
Classification: Likely benign for Inborn genetic diseases. Last evaluated: 2025-06-18. Review status: criteria provided, single submitter. Criteria: Ambry Variant Classification Scheme 2023. Collection method: clinical testing. Allele origin: germline.

Labcorp Genetics (formerly Invitae), Labcorp
Classification: Uncertain significance for Combined immunodeficiency due to DOCK8 deficiency. Last evaluated: 2025-02-03. Review status: criteria provided, single submitter. Criteria: Invitae Variant Classification Sherloc (09022015). Collection method: clinical testing. Allele origin: germline.
Comment: This sequence change replaces histidine, which is basic and polar, with glutamine, which is neutral and polar, at codon 1509 of the DOCK8 protein (p.His1509Gln). This variant is present in population databases (rs533492555, gnomAD 0.004%). This variant has not been reported in the literature in individuals affected with DOCK8-related conditions. ClinVar contains an entry for this variant (Variation ID: 1006702). Invitae Evidence Modeling of protein sequence and biophysical properties (such as structural, functional, and spatial information, amino acid conservation, physicochemical variation, residue mobility, and thermodynamic stability) indicates that this missense variant is not expected to disrupt DOCK8 protein function with a negative predictive value of 80%. In summary, the available evidence is currently insufficient to determine the role of this variant in disease. Therefore, it has been classified as a Variant of Uncertain Significance.

Genetic Services Laboratory, University of Chicago
Classification: Uncertain significance. Last evaluated: 2021-07-29. Review status: criteria provided, single submitter. Criteria: ACMG Guidelines, 2015. Collection method: clinical testing. Allele origin: germline. Affected: no.
Comment: DNA sequence analysis of the DOCK8 gene demonstrated a sequence change, c.4527C>G, in exon 36 that results in an amino acid change, p.His1509Gln. This sequence change has been described in the gnomAD database with a frequency of 0.004% in the African/African-American subpopulation (dbSNP rs533492555). The p.His1509Gln change affects a poorly amino acid residue located in a domain of the DOCK8 protein that is not known to be functional. The p.His1509Gln substitution appears to be benign using several in-silico pathogenicity prediction tools (SIFT, PolyPhen2, Align GVGD, REVEL). This sequence change does not appear to have been previously described in individuals with DOCK8-related disorders. Due to insufficient evidences and the lack of functional studies, the clinical significance of the p.His1509Gln change remains unknown at this time.